The following is an entry in ClinVar:

NM_006944.3(SPP2):c.187G>A (p.Ala63Thr)

Gene: SPP2 (secreted phosphoprotein 2; plus strand). Cytogenetic location: 2q37.1.
Variant type: single nucleotide variant.
Coding change: c.187G>A on transcript NM_006944.3 (MANE Select); coding-DNA position 187, G replaced by A.
Protein change: p.Ala63Thr; replaces alanine 63 with threonine.
Molecular consequence: missense variant.
Genome position (GRCh38, 1-based): chr2:234,051,072, G>A. VCF-style: chr2-234051072-G-A. GRCh37 (hg19) VCF-style: chr2-234959716-G-A.
Other names: short protein forms A63T.
Identifiers: ClinVar variation 1518481 (VCV001518481.6), dbSNP rs2125447672, ClinGen allele CA351100036.

ClinVar aggregate classification (germline): Uncertain significance (1 of 4 stars; one submission).

Allele frequency attached by ClinVar (database versions not stated): gnomAD exomes below 0.00001.
gnomAD v4.1: 1 of 1,613,786 alleles (0.000062%); highest among the groups gnomAD compares: Non-Finnish European, 0.000085%; no homozygotes.

Submission:

Labcorp Genetics (formerly Invitae), Labcorp
Classification: Uncertain significance. Last evaluated: 2021-09-10. Review status: criteria provided, single submitter. Criteria: Invitae Variant Classification Sherloc (09022015). Collection method: clinical testing. Allele origin: germline.
Comment: This sequence change replaces alanine with threonine at codon 63 of the SPP2 protein (p.Ala63Thr). The alanine residue is highly conserved and there is a small physicochemical difference between alanine and threonine. This variant is not present in population databases (ExAC no frequency). This variant has not been reported in the literature in individuals affected with SPP2-related conditions. Algorithms developed to predict the effect of missense changes on protein structure and function are either unavailable or do not agree on the potential impact of this missense change (SIFT: "Tolerated"; PolyPhen-2: "Possibly Damaging"; Align-GVGD: "Class C0"). In summary, the available evidence is currently insufficient to determine the role of this variant in disease. Therefore, it has been classified as a Variant of Uncertain Significance.